The following is an entry in ClinVar:

ClinVar aggregate classification (germline): Uncertain significance. Review status: criteria provided, multiple submitters, no conflicts (2 of 4 stars). 2 submissions from 2 submitters: Uncertain significance (2). Last evaluated 2025-06-12.

Allele frequency attached by ClinVar (database versions not stated): 1000 Genomes Project 30x 0.00016; 1000 Genomes Project 0.00020; gnomAD 0.00003 and 0.00001; ExAC 0.00001; gnomAD exomes 0.00001 and 0.00003; TOPMed 0.00003.
gnomAD v4.1: 20 of 1,614,136 alleles (0.0012%); highest among the groups gnomAD compares: East Asian, 0.018%; no homozygotes.

Submissions (2):

GeneDx
Classification: Uncertain significance. Last evaluated: 2025-06-12. Review status: criteria provided, single submitter. Criteria: GeneDx Variant Classification Process June 2021. Collection method: clinical testing. Allele origin: germline. Affected: yes.
Comment: In silico analysis suggests that this missense variant does not alter protein structure/function; Has not been previously published as pathogenic or benign to our knowledge

Labcorp Genetics (formerly Invitae), Labcorp
Classification: Uncertain significance for Combined immunodeficiency due to DOCK8 deficiency. Last evaluated: 2024-05-15. Review status: criteria provided, single submitter. Criteria: Invitae Variant Classification Sherloc (09022015). Collection method: clinical testing. Allele origin: germline.
Comment: This sequence change replaces tyrosine, which is neutral and polar, with cysteine, which is neutral and slightly polar, at codon 1282 of the DOCK8 protein (p.Tyr1282Cys). This variant is present in population databases (rs539908137, gnomAD 0.03%). This variant has not been reported in the literature in individuals affected with DOCK8-related conditions. ClinVar contains an entry for this variant (Variation ID: 1039839). Advanced modeling of protein sequence and biophysical properties (such as structural, functional, and spatial information, amino acid conservation, physicochemical variation, residue mobility, and thermodynamic stability) performed at Invitae indicates that this missense variant is not expected to disrupt DOCK8 protein function with a negative predictive value of 80%. In summary, the available evidence is currently insufficient to determine the role of this variant in disease. Therefore, it has been classified as a Variant of Uncertain Significance.

NM_203447.4(DOCK8):c.3845A>G (p.Tyr1282Cys)

Gene: DOCK8 (dedicator of cytokinesis 8; plus strand). Cytogenetic location: 9p24.3.
Variant type: single nucleotide variant.
Coding change: c.3845A>G on transcript NM_203447.4 (MANE Select); coding-DNA position 3845, A replaced by G.
Protein change: p.Tyr1282Cys; replaces tyrosine 1282 with cysteine.
Molecular consequence: missense variant.
Genome position (GRCh38, 1-based): chr9:420,405, A>G. VCF-style: chr9-420405-A-G. GRCh37 (hg19) VCF-style: chr9-420405-A-G.
Other names: c.3545A>G, p.Tyr1182Cys (NM_001190458.2); c.3641A>G, p.Tyr1214Cys (NM_001193536.2); c.3845A>G (NM_203447.3); short protein forms Y1282C, Y1182C, Y1214C.
Identifiers: ClinVar variation 1039839 (VCV001039839.8), dbSNP rs539908137, ClinGen allele CA4958859.
Genomic context (GRCh38, chr9:420,405, plus strand): 5'-TTTTCTGTTGCTTGACTTCTTCCCTGGCCTCCATCCCCCAATCTGCCTCCCTTCAGCCCT[A>G]TAAGCAGTACAACATGCTGAACGCGGACACTACTCGCAACCTCATGATCTGCTTCCTCTG-3'
Protein context (NP_982272.2, residues 1272-1292): TSGIVLSSLP[Tyr1282Cys]KQYNMLNADT